The following is an entry in ClinVar:

ClinVar aggregate classification (germline): Pathogenic (1 of 4 stars; one submission).

Submission:

GeneDx
Classification: Pathogenic. Last evaluated: 2016-04-21. Review status: criteria provided, single submitter. Criteria: GeneDx Variant Classification (06012015). Collection method: clinical testing. Allele origin: germline. Affected: yes.
Comment: The c.289-2A>G pathogenic variant in the AP1S2 gene has not been reported previously as a pathogenic variant nor as a benign variant, to our knowledge. This splice site variant destroys the canonical splice acceptor site in intron 3. It is predicted to cause abnormal gene splicing resulting in an in-frame protein product with an abnormal message. The c.289-2A>G variant was not observed in approximately 6,500 individuals of European and African American ancestry in the NHLBI Exome Sequencing Project, indicating it is not a common benign variant in these populations. We interpret c.289-2A>G as a pathogenic variant

NM_001272071.2(AP1S2):c.289-2A>G

Gene: AP1S2 (adaptor related protein complex 1 subunit sigma 2; minus strand). Cytogenetic location: Xp22.2.
Variant type: single nucleotide variant.
Coding change: c.289-2A>G on transcript NM_001272071.2 (MANE Select); the canonical splice acceptor site of the intron before coding-DNA position 289, A replaced by G.
Molecular consequence: splice acceptor variant.
Genome position (GRCh38, 1-based): chrX:15,845,518, T>C on the plus strand (A>G on the coding strand, the complement: AP1S2 is on the minus strand). VCF-style: chrX-15845518-T-C. GRCh37 (hg19) VCF-style: chrX-15863641-T-C.
Other names: c.289-2A>G (NM_003916.5, NM_001368994.1, NM_001369007.1 and 1 more transcripts).
Identifiers: ClinVar variation 449725 (VCV000449725.2), dbSNP rs1555904148, ClinGen allele CA412458906.
Genomic context (GRCh38, chrX:15,845,518, plus strand): 5'-AACTCATCCAAAATAAAATAAGCCTTCTCAAAATTAAAGATGATATCTAGTTCACAGACC[T>C]GAAAAGGAAAAAAAAAAGAAAAAAGAAAAGAAAAAATTGTTAAAACTTGCAGAAGCAGAA-3'